The following is an entry in ClinVar:

ClinVar aggregate classification (germline): Uncertain significance. Review status: criteria provided, multiple submitters, no conflicts (2 of 4 stars). 2 submissions from 2 submitters: Uncertain significance (2). Last evaluated 2025-03-03.

Conditions:
Hereditary cancer-predisposing syndrome. Also called: Neoplastic Syndromes, Hereditary; Tumor predisposition; Hereditary Cancer Syndrome; Hereditary neoplastic syndrome. Identifiers: Orphanet 140162, MedGen C0027672, MeSH D009386, MONDO:0015356.
Bloom syndrome (BLM). Also called: Bloom-Torre-Machacek syndrome. Identifiers: Orphanet 125, MedGen C0005859, MONDO:0008876, OMIM 210900.

Submissions (2):

Ambry Genetics
Classification: Uncertain significance for Hereditary cancer-predisposing syndrome. Last evaluated: 2025-03-03. Review status: criteria provided, single submitter. Criteria: Ambry Variant Classification Scheme 2023. Collection method: clinical testing. Allele origin: germline.
Comment: The p.E229D variant (also known as c.687A>C), located in coding exon 2 of the BLM gene, results from an A to C substitution at nucleotide position 687. The glutamic acid at codon 229 is replaced by aspartic acid, an amino acid with highly similar properties. This amino acid position is not well conserved in available vertebrate species. In addition, this alteration is predicted to be tolerated by in silico analysis. Since supporting evidence is limited at this time, the clinical significance of this alteration remains unclear.

Labcorp Genetics (formerly Invitae), Labcorp
Classification: Uncertain significance for Bloom syndrome. Last evaluated: 2022-05-19. Review status: criteria provided, single submitter. Criteria: Invitae Variant Classification Sherloc (09022015). Collection method: clinical testing. Allele origin: germline.
Comment: This sequence change replaces glutamic acid, which is acidic and polar, with aspartic acid, which is acidic and polar, at codon 229 of the BLM protein (p.Glu229Asp). This variant is not present in population databases (gnomAD no frequency). This variant has not been reported in the literature in individuals affected with BLM-related conditions. Algorithms developed to predict the effect of missense changes on protein structure and function output the following: SIFT: "Tolerated"; PolyPhen-2: "Benign"; Align-GVGD: "Class C0". The aspartic acid amino acid residue is found in multiple mammalian species, which suggests that this missense change does not adversely affect protein function. In summary, the available evidence is currently insufficient to determine the role of this variant in disease. Therefore, it has been classified as a Variant of Uncertain Significance.

NM_000057.4(BLM):c.687A>C (p.Glu229Asp)

Gene: BLM (BLM RecQ like helicase; plus strand). Cytogenetic location: 15q26.1.
Variant type: single nucleotide variant.
Coding change: c.687A>C on transcript NM_000057.4 (MANE Select); coding-DNA position 687, A replaced by C.
Protein change: p.Glu229Asp; replaces glutamic acid 229 with aspartic acid.
Molecular consequence: missense variant. On other transcripts: 5 prime UTR variant (1).
Genome position (GRCh38, 1-based): chr15:90,749,955, A>C. VCF-style: chr15-90749955-A-C. GRCh37 (hg19) VCF-style: chr15-91293185-A-C.
Other names: c.687A>C, p.Glu229Asp (NM_001287246.2, NM_001287247.2); c.-605A>C (NM_001287248.2); short protein forms E229D.
Identifiers: ClinVar variation 1755913 (VCV001755913.6), dbSNP rs1255971909, ClinGen allele CA393841339.
Genomic context (GRCh38, chr15:90,749,955, plus strand): 5'-TCCACCCTCCTCTGAAAGCGAGCAAATAGATTTGACTGAGGAACAGAAGGATGACTCAGA[A>C]TGGTTAAGCAGCGATGTGATTTGCATCGATGATGGCCCCATTGCTGAAGTGCATATAAAT-3'
Protein context (NP_000048.1, residues 219-239): DLTEEQKDDS[Glu229Asp]WLSSDVICID